The following is an entry in ClinVar:

ClinVar aggregate classification (germline): Pathogenic (1 of 4 stars; one submission).

Conditions:
Marfan syndrome (MFS). Also called: FBN1-Related Marfan Syndrome; MARFAN SYNDROME, TYPE I; Marfan syndrome type 1; Marfan's syndrome; Marfan syndrome, classic. Identifiers: Orphanet 284963, Orphanet 558, MedGen C0024796, MONDO:0007947, OMIM 154700.
Familial thoracic aortic aneurysm and aortic dissection (TAAD). Also called: Thoracic aortic aneurysms and dissections. Identifiers: Orphanet 91387, MedGen C4707243, MONDO:0019625.

Submission:

Labcorp Genetics (formerly Invitae), Labcorp
Classification: Pathogenic for Marfan syndrome; Familial thoracic aortic aneurysm and aortic dissection. Last evaluated: 2025-08-31. Review status: criteria provided, single submitter. Criteria: Invitae Variant Classification Sherloc (09022015). Collection method: clinical testing. Allele origin: germline.
Comment: This sequence change replaces cysteine, which is neutral and slightly polar, with arginine, which is basic and polar, at codon 2605 of the FBN1 protein (p.Cys2605Arg). This variant is not present in population databases (gnomAD no frequency). This missense change has been observed in individual(s) with Marfan syndrome (PMID: 38190127; internal data). Invitae Evidence Modeling of protein sequence and biophysical properties (such as structural, functional, and spatial information, amino acid conservation, physicochemical variation, residue mobility, and thermodynamic stability) indicates that this missense variant is expected to disrupt FBN1 protein function with a positive predictive value of 95%. This variant affects a cysteine residue in the EGF-like, TGFBP or hybrid motif domains of FBN1. Cysteine residues are believed to be involved in intramolecular disulfide bridges and have been shown to be important for FBN1 protein structure (PMID: 16905551, 19349279). In addition, missense substitutions affecting cysteine residues within these domains are significantly overrepresented among patients with Marfan syndrome (PMID: 16571647, 17701892). This variant disrupts the p.Cys2605 amino acid residue in FBN1. Other variant(s) that disrupt this residue have been observed in individuals with FBN1-related conditions (PMID: 25652356, 32679894), which suggests that this may be a clinically significant amino acid residue. For these reasons, this variant has been classified as Pathogenic.

Literature cited by the submitters: PubMed 38190127; PubMed 16905551; PubMed 19349279; PubMed 16571647; PubMed 17701892; PubMed 25652356; PubMed 32679894.

NM_000138.5(FBN1):c.7813T>C (p.Cys2605Arg)

Gene: FBN1 (fibrillin 1; minus strand). Cytogenetic location: 15q21.1.
Variant type: single nucleotide variant.
Coding change: c.7813T>C on transcript NM_000138.5 (MANE Select); coding-DNA position 7813, T replaced by C.
Protein change: p.Cys2605Arg; replaces cysteine 2605 with arginine.
Molecular consequence: missense variant.
Genome position (GRCh38, 1-based): chr15:48,420,693, A>G on the plus strand (T>C on the coding strand, the complement: FBN1 is on the minus strand). VCF-style: chr15-48420693-A-G. GRCh37 (hg19) VCF-style: chr15-48712890-A-G.
Other names: c.7813T>C, p.Cys2605Arg (NM_001406716.1); short protein forms C2605R.
Identifiers: ClinVar variation 4789628 (VCV004789628.1).